The following is an entry in ClinVar:

NM_203447.4(DOCK8):c.1516+16C>G

Gene: DOCK8 (dedicator of cytokinesis 8; plus strand). Cytogenetic location: 9p24.3.
Variant type: single nucleotide variant.
Coding change: c.1516+16C>G on transcript NM_203447.4 (MANE Select); 16 bases into the intron after coding-DNA position 1516, C replaced by G.
Molecular consequence: intron variant.
Genome position (GRCh38, 1-based): chr9:339,115, C>G. VCF-style: chr9-339115-C-G. GRCh37 (hg19) VCF-style: chr9-339115-C-G.
Other names: c.1312+16C>G (NM_001193536.2, NM_001190458.2).
Identifiers: ClinVar variation 377796 (VCV000377796.11), dbSNP rs141986056, ClinGen allele CA4957757.

ClinVar aggregate classification (germline): Benign/Likely benign. Review status: criteria provided, multiple submitters, no conflicts (2 of 4 stars). 3 submissions from 3 submitters: Benign (1); Likely benign (2). Last evaluated 2026-02-01.

Conditions:
Combined immunodeficiency due to DOCK8 deficiency (HIES2). Also called: HIES autosomal recessive; Hyper-IgE recurrent infection syndrome, autosomal recessive; DOCK8 Deficiency; HYPER-IgE SYNDROME 2, AUTOSOMAL RECESSIVE, WITH RECURRENT INFECTIONS; HYPER-IgE RECURRENT INFECTION SYNDROME 2, AUTOSOMAL RECESSIVE. Identifiers: Orphanet 217390, MedGen C4722305, MONDO:0009478, OMIM 243700.

Allele frequency attached by ClinVar (database versions not stated): ExAC 0.00099; ESP Exome Variant Server 0.00223; 1000 Genomes Project 30x 0.00234; 1000 Genomes Project 0.00240; gnomAD 0.00248 and 0.00266; TOPMed 0.00292.
gnomAD v4.1: 1,114 of 1,606,482 alleles (0.069%); highest among the groups gnomAD compares: African/African-American, 0.74%; 5 homozygotes.

Submissions (3):

Labcorp Genetics (formerly Invitae), Labcorp
Classification: Benign for Combined immunodeficiency due to DOCK8 deficiency. Last evaluated: 2026-02-01. Review status: criteria provided, single submitter. Criteria: Invitae Variant Classification Sherloc (09022015). Collection method: clinical testing. Allele origin: germline.

Blueprint Genetics
Classification: Likely benign. Last evaluated: 2024-11-18. Review status: criteria provided, single submitter. Criteria: ACMG Guidelines, 2015. Collection method: clinical testing. Allele origin: germline.

GeneDx
Classification: Likely benign. Last evaluated: 2016-07-28. Review status: criteria provided, single submitter. Criteria: GeneDx Variant Classification (06012015). Collection method: clinical testing. Allele origin: germline. Affected: yes.
Comment: This variant is considered likely benign or benign based on one or more of the following criteria: it is a conservative change, it occurs at a poorly conserved position in the protein, it is predicted to be benign by multiple in silico algorithms, and/or has population frequency not consistent with disease.